The following is an entry in ClinVar:

ClinVar aggregate classification (germline): Uncertain significance. Review status: criteria provided, multiple submitters, no conflicts (2 of 4 stars). 2 submissions from 2 submitters: Uncertain significance (2). Last evaluated 2024-02-20.

Conditions:
Hereditary cancer-predisposing syndrome. Also called: Neoplastic Syndromes, Hereditary; Hereditary Cancer Syndrome; Tumor predisposition; Hereditary neoplastic syndrome. Identifiers: Orphanet 140162, MedGen C0027672, MeSH D009386, MONDO:0015356.
Ataxia-telangiectasia syndrome (AT). Also called: LOUIS-BAR SYNDROME; Cerebello-oculocutaneous telangiectasia; Immunodeficiency with ataxia telangiectasia; Ataxia-telangiectasia, complementation group D; AT, COMPLEMENTATION GROUP C; Ataxia-telangiectasia, complementation group E. Identifiers: Orphanet 100, MedGen C0004135, MONDO:0008840, OMIM 208900.

Submissions (2):

Labcorp Genetics (formerly Invitae), Labcorp
Classification: Uncertain significance for Ataxia-telangiectasia syndrome. Last evaluated: 2024-02-20. Review status: criteria provided, single submitter. Criteria: Invitae Variant Classification Sherloc (09022015). Collection method: clinical testing. Allele origin: germline.
Comment: This sequence change replaces histidine, which is basic and polar, with glutamine, which is neutral and polar, at codon 2038 of the ATM protein (p.His2038Gln). This variant is not present in population databases (gnomAD no frequency). This variant has not been reported in the literature in individuals affected with ATM-related conditions. ClinVar contains an entry for this variant (Variation ID: 481266). An algorithm developed to predict the effect of missense changes on protein structure and function (PolyPhen-2) suggests that this variant is likely to be disruptive. In summary, the available evidence is currently insufficient to determine the role of this variant in disease. Therefore, it has been classified as a Variant of Uncertain Significance.

Ambry Genetics
Classification: Uncertain significance for Hereditary cancer-predisposing syndrome. Last evaluated: 2021-01-29. Review status: criteria provided, single submitter. Criteria: Ambry Variant Classification Scheme 2023. Collection method: clinical testing. Allele origin: germline.
Comment: The p.H2038Q variant (also known as c.6114C>A), located in coding exon 41 of the ATM gene, results from a C to A substitution at nucleotide position 6114. The histidine at codon 2038 is replaced by glutamine, an amino acid with highly similar properties. This amino acid position is highly conserved in available vertebrate species. In addition, the in silico prediction for this alteration is inconclusive. Since supporting evidence is limited at this time, the clinical significance of this alteration remains unclear.

NM_000051.4(ATM):c.6114C>A (p.His2038Gln)

Genes: ATM (ATM serine/threonine kinase; plus strand), C11orf65 (chromosome 11 open reading frame 65; minus strand). Cytogenetic location: 11q22.3.
Variant type: single nucleotide variant.
Coding change: c.6114C>A on transcript NM_000051.4 (MANE Select); coding-DNA position 6114, C replaced by A.
Protein change: p.His2038Gln; replaces histidine 2038 with glutamine.
Molecular consequence: missense variant. On other transcripts: intron variant (2).
Genome position (GRCh38, 1-based): chr11:108,316,029, C>A. VCF-style: chr11-108316029-C-A. GRCh37 (hg19) VCF-style: chr11-108186756-C-A.
Other names: c.6114C>A, p.His2038Gln (NM_001351834.2); c.641-6958G>T (NM_001330368.2); c.*39-6958G>T (NM_001351110.2); short protein forms H2038Q.
Identifiers: ClinVar variation 481266 (VCV000481266.10), dbSNP rs774993357, ClinGen allele CA382550381.